The following is an entry in ClinVar:

ClinVar aggregate classification (germline): Likely benign. Review status: criteria provided, multiple submitters, no conflicts (2 of 4 stars). 2 submissions from 2 submitters: Likely benign (2). Last evaluated 2023-05-19.

Conditions:
Methylmalonic acidemia with homocystinuria, type cblX (MAHCX). Also called: INTELLECTUAL DEVELOPMENTAL DISORDER, X-LINKED 3. Identifiers: Orphanet 369962, MedGen C0796208, MONDO:0010657, OMIM 309541.

Allele frequency attached by ClinVar (database versions not stated): ExAC 0.00002; gnomAD exomes 0.00003; ESP Exome Variant Server 0.00010; TOPMed 0.00012; gnomAD 0.00013 and 0.00014.
gnomAD v4.1: 16 of 1,186,867 alleles (0.0013%); highest among the groups gnomAD compares: African/African-American, 0.028%; no homozygotes.

Submissions (2):

Labcorp Genetics (formerly Invitae), Labcorp
Classification: Likely benign for Methylmalonic acidemia with homocystinuria, type cblX. Last evaluated: 2023-05-19. Review status: criteria provided, single submitter. Criteria: Invitae Variant Classification Sherloc (09022015). Collection method: clinical testing. Allele origin: germline.

GeneDx
Classification: Likely benign. Last evaluated: 2016-04-06. Review status: criteria provided, single submitter. Criteria: GeneDx Variant Classification (06012015). Collection method: clinical testing. Allele origin: germline. Affected: yes.
Comment: This variant is considered likely benign or benign based on one or more of the following criteria: it is a conservative change, it occurs at a poorly conserved position in the protein, it is predicted to be benign by multiple in silico algorithms, and/or has population frequency not consistent with disease.

NM_005334.3(HCFC1):c.1605+16T>G

Gene: HCFC1 (host cell factor C1; minus strand). Cytogenetic location: Xq28.
Variant type: single nucleotide variant.
Coding change: c.1605+16T>G on transcript NM_005334.3 (MANE Select); 16 bases into the intron after coding-DNA position 1605, T replaced by G.
Molecular consequence: intron variant.
Genome position (GRCh38, 1-based): chrX:153,959,315, A>C on the plus strand (T>G on the coding strand, the complement: HCFC1 is on the minus strand). VCF-style: chrX-153959315-A-C. GRCh37 (hg19) VCF-style: chrX-153224766-A-C.
Identifiers: ClinVar variation 385021 (VCV000385021.9), dbSNP rs375698764, ClinGen allele CA10557480.